The following is an entry in ClinVar:

NM_013275.6(ANKRD11):c.7296C>T (p.Ser2432=)

Gene: ANKRD11 (ankyrin repeat domain 11; minus strand). Cytogenetic location: 16q24.3.
Variant type: single nucleotide variant.
Coding change: c.7296C>T on transcript NM_013275.6 (MANE Select); coding-DNA position 7296, C replaced by T.
Protein change: p.Ser2432=; no amino-acid change (serine 2432 retained).
Molecular consequence: synonymous variant.
Genome position (GRCh38, 1-based): chr16:89,279,246, G>A on the plus strand (C>T on the coding strand, the complement: ANKRD11 is on the minus strand). VCF-style: chr16-89279246-G-A. GRCh37 (hg19) VCF-style: chr16-89345654-G-A.
Other names: c.7296C>T, p.Ser2432= (NM_001256182.2, NM_001256183.2).
Identifiers: ClinVar variation 588623 (VCV000588623.24), dbSNP rs146648782, ClinGen allele CA8241261.

ClinVar aggregate classification (germline): Benign/Likely benign. Review status: criteria provided, multiple submitters, no conflicts (2 of 4 stars). 9 submissions from 9 submitters: Benign (3); Likely benign (5). 1 of the submissions does not count toward it. Last evaluated 2026-06-01.

Conditions:
Inborn genetic diseases. Identifiers: MedGen C0950123, MeSH D030342.
ANKRD11-related disorder. Also called: ANKRD11-related condition.
KBG syndrome (KBGS). Also called: ANKRD11-Related KBG Syndrome. Identifiers: Orphanet 2332, MedGen C0220687, MONDO:0007846, OMIM 148050.

Allele frequency attached by ClinVar (database versions not stated): gnomAD exomes 0.00021 and 0.00056; ExAC 0.00077; 1000 Genomes Project 0.00180; ESP Exome Variant Server 0.00216; 1000 Genomes Project 30x 0.00219; gnomAD 0.00221 and 0.00233; TOPMed 0.00221.
gnomAD v4.1: 655 of 1,611,716 alleles (0.041%); highest among the groups gnomAD compares: African/African-American, 0.79%; 2 homozygotes.

Submissions (9):

CeGaT Center for Human Genetics Tuebingen
Classification: Likely benign. Last evaluated: 2026-06-01. Review status: criteria provided, single submitter. Criteria: CeGaT Center For Human Genetics Tuebingen Variant Classification Criteria Version 2. Collection method: clinical testing. Allele origin: germline. Affected: yes. Observed: 2 variant alleles.
Comment: ANKRD11: BP4, BP7, BS1

Labcorp Genetics (formerly Invitae), Labcorp
Classification: Likely benign for KBG syndrome. Last evaluated: 2026-01-15. Review status: criteria provided, single submitter. Criteria: Invitae Variant Classification Sherloc (09022015). Collection method: clinical testing. Allele origin: germline.

Blueprint Genetics
Classification: Likely benign. Last evaluated: 2024-09-24. Review status: criteria provided, single submitter. Criteria: ACMG Guidelines, 2015. Collection method: clinical testing. Allele origin: germline.

ARUP Laboratories, Molecular Genetics and Genomics, ARUP Laboratories
Classification: Benign for KBG syndrome. Last evaluated: 2024-06-06. Review status: criteria provided, single submitter. Criteria: ARUP Molecular Germline Variant Investigation Process 2024. Collection method: clinical testing. Allele origin: germline.

Genome-Nilou Lab
Classification: Benign for KBG syndrome. Last evaluated: 2021-12-05. Review status: criteria provided, single submitter. Criteria: ACMG Guidelines, 2015. Collection method: clinical testing. Allele origin: germline. Affected: no.

GeneDx
Classification: Benign. Last evaluated: 2019-08-19. Review status: criteria provided, single submitter. Criteria: GeneDx Variant Classification Process June 2021. Collection method: clinical testing. Allele origin: germline. Affected: yes.

Ambry Genetics
Classification: Likely benign for Inborn genetic diseases. Last evaluated: 2017-01-17. Review status: criteria provided, single submitter. Criteria: Ambry Variant Classification Scheme 2023. Collection method: clinical testing. Allele origin: germline.

Breakthrough Genomics
Classification: Likely benign. Review status: criteria provided, single submitter. Criteria: ACMG Guidelines, 2015. Collection method: not provided. Allele origin: germline. Inheritance: Autosomal dominant inheritance. Affected: yes.

PreventionGenetics, part of Exact Sciences
Classification: Benign for ANKRD11-related condition. Last evaluated: 2019-03-21. Review status: no assertion criteria provided. Collection method: clinical testing. Allele origin: germline. Not counted in ClinVar's aggregate classification.
Comment: This variant is classified as benign based on ACMG/AMP sequence variant interpretation guidelines (Richards et al. 2015 PMID: 25741868, with internal and published modifications).